The following is an entry in ClinVar:

ClinVar aggregate classification (germline): Uncertain significance (1 of 4 stars; one submission).

Conditions:
Cardiovascular phenotype. Identifiers: MedGen CN230736.

Submission:

Ambry Genetics
Classification: Uncertain significance for Cardiovascular phenotype. Last evaluated: 2025-06-10. Review status: criteria provided, single submitter. Criteria: Ambry Variant Classification Scheme 2023. Collection method: clinical testing. Allele origin: germline.
Comment: The p.V117L variant (also known as c.349G>C), located in coding exon 3 of the APOA1 gene, results from a G to C substitution at nucleotide position 349. The valine at codon 117 is replaced by leucine, an amino acid with highly similar properties. This amino acid position is conserved. In addition, this alteration is predicted to be tolerated by in silico analysis. Based on the available evidence, the clinical significance of this variant remains unclear.

NM_000039.3(APOA1):c.349G>C (p.Val117Leu)

Genes: APOA1 (apolipoprotein A1; minus strand), APOA1-AS (APOA1 antisense RNA; plus strand). Cytogenetic location: 11q23.3.
Variant type: single nucleotide variant.
Coding change: c.349G>C on transcript NM_000039.3 (MANE Select); coding-DNA position 349, G replaced by C.
Protein change: p.Val117Leu; replaces valine 117 with leucine.
Molecular consequence: missense variant.
Genome position (GRCh38, 1-based): chr11:116,836,263, C>G on the plus strand (G>C on the coding strand, the complement: APOA1 is on the minus strand). VCF-style: chr11-116836263-C-G. GRCh37 (hg19) VCF-style: chr11-116706979-C-G.
Other names: c.349G>C, p.Val117Leu (NM_001318017.2, NM_001318018.2, NM_001425090.1 and 1 more transcripts); c.22G>C, p.Val8Leu (NM_001318021.2, NM_001425091.1, NM_001425092.1); short protein forms V8L, V117L.
Identifiers: ClinVar variation 3931686 (VCV003931686.1).
Genomic context (GRCh38, chr11:116,836,263, plus strand): 5'-CCATCTCCTCCTGCCACTTCTTCTGGAAGTCGTCCAGGTAGGGCTGCACCTTGGCCTTCA[C>G]CTCCTCCAGATCCTTGCTCATCTCCTGCCTCAGGCCCTCTGTCTCCTTTTCCAGGTTATC-3'
Protein context (NP_000030.1, residues 107-127): RQEMSKDLEE[Val117Leu]KAKVQPYLDD